The following is an entry in ClinVar:

ClinVar aggregate classification (germline): Uncertain significance. Review status: criteria provided, multiple submitters, no conflicts (2 of 4 stars). 3 submissions from 3 submitters: Uncertain significance (3). Last evaluated 2025-09-30.

Conditions:
Atypical hemolytic-uremic syndrome with thrombomodulin anomaly. Also called: HEMOLYTIC UREMIC SYNDROME, ATYPICAL, SUSCEPTIBILITY TO, 6; AHUS, SUSCEPTIBILITY TO, 6. Identifiers: MedGen C2752036, MONDO:0013044, OMIM 612926. Disease mechanism: gain of function.

Allele frequency attached by ClinVar (database versions not stated): gnomAD exomes below 0.00001; TOPMed below 0.00001.
gnomAD v4.1: 1 of 1,510,462 alleles (0.000066%); highest among the groups gnomAD compares: Non-Finnish European, 0.000088%; no homozygotes.

Submissions (3):

Women's Health and Genetics/Laboratory Corporation of America, LabCorp
Classification: Uncertain significance. Last evaluated: 2025-09-30. Review status: criteria provided, single submitter. Criteria: LabCorp Variant Classification Summary - May 2015. Collection method: clinical testing. Allele origin: germline.
Comment: Variant summary: THBD c.670T>G (p.Cys224Gly) results in a non-conservative amino acid change in the encoded protein sequence. Algorithms developed to predict the effect of missense changes on protein structure and function all suggest that this variant is likely to be disruptive. The variant was absent in 117848 control chromosomes. The available data on variant occurrences in the general population are insufficient to allow any conclusion about variant significance. To our knowledge, no occurrence of c.670T>G in individuals affected with THBD-related conditions and no experimental evidence demonstrating its impact on protein function have been reported. ClinVar contains an entry for this variant (Variation ID: 3237420). Based on the evidence outlined above, the variant was classified as uncertain significance.

Labcorp Genetics (formerly Invitae), Labcorp
Classification: Uncertain significance. Last evaluated: 2024-05-13. Review status: criteria provided, single submitter. Criteria: Invitae Variant Classification Sherloc (09022015). Collection method: clinical testing. Allele origin: germline.
Comment: This sequence change replaces cysteine, which is neutral and slightly polar, with glycine, which is neutral and non-polar, at codon 224 of the THBD protein (p.Cys224Gly). This variant is not present in population databases (gnomAD no frequency). This variant has not been reported in the literature in individuals affected with THBD-related conditions. Advanced modeling of protein sequence and biophysical properties (such as structural, functional, and spatial information, amino acid conservation, physicochemical variation, residue mobility, and thermodynamic stability) performed at Invitae indicates that this missense variant is expected to disrupt THBD protein function with a positive predictive value of 80%. In summary, the available evidence is currently insufficient to determine the role of this variant in disease. Therefore, it has been classified as a Variant of Uncertain Significance.

Clinical Genomics Laboratory, Washington University in St. Louis
Classification: Uncertain significance for Atypical hemolytic-uremic syndrome with thrombomodulin anomaly. Last evaluated: 2024-02-16. Review status: criteria provided, single submitter. Criteria: ACMG Guidelines, 2015. Collection method: clinical testing. Allele origin: germline.
Comment: The THBD c.670T>G (p.Cys224Gly) variant, to our knowledge, has not been reported in the medical literature. This variant is absent from the general population (gnomAD v2.1.1), indicating it is not a common variant. Computational predictors indicate that this variant is damaging, evidence that may correlate with impact to THBD function. Due to limited information, and based on ACMG/AMP guidelines for variant interpretation (Richards S et al., PMID: 25741868), the clinical significance of the THBD c.670T>G (p.Cys224Gly) variant is uncertain at this time.

NM_000361.3(THBD):c.670T>G (p.Cys224Gly)

Gene: THBD (thrombomodulin; minus strand). Cytogenetic location: 20p11.21.
Variant type: single nucleotide variant.
Coding change: c.670T>G on transcript NM_000361.3 (MANE Select); coding-DNA position 670, T replaced by G.
Protein change: p.Cys224Gly; replaces cysteine 224 with glycine.
Molecular consequence: missense variant.
Genome position (GRCh38, 1-based): chr20:23,048,835, A>C on the plus strand (T>G on the coding strand, the complement: THBD is on the minus strand). VCF-style: chr20-23048835-A-C. GRCh37 (hg19) VCF-style: chr20-23029472-A-C.
Other names: short protein forms C224G.
Identifiers: ClinVar variation 3237420 (VCV003237420.4), dbSNP rs1324199345.